The following is an entry in ClinVar:

ClinVar aggregate classification (germline): Likely pathogenic (1 of 4 stars; one submission).

Conditions:
Hereditary cancer-predisposing syndrome. Also called: Hereditary Cancer Syndrome; Neoplastic Syndromes, Hereditary; Hereditary neoplastic syndrome; Tumor predisposition. Identifiers: Orphanet 140162, MedGen C0027672, MeSH D009386, MONDO:0015356.

Submission:

Ambry Genetics
Classification: Likely pathogenic for Hereditary cancer-predisposing syndrome. Last evaluated: 2015-06-23. Review status: criteria provided, single submitter. Criteria: Ambry Variant Classification Scheme 2023. Collection method: clinical testing. Allele origin: germline.
Comment: The p.K557E variant (also known as c.1669A>G), located in coding exon 9 of the MEN1 gene, results from an A to G substitution at nucleotide position 1669. The lysine at codon 557 is replaced by glutamic acid, an amino acid with similar properties. This alteration was previously identified to segregate with disease in one MEN1 family of Turkish descent. Based on internal structural analysis, this variant sits in the NLSa domain (La P, Oncogene 2006 Jun; 25(25):3537-46) and is anticipated to result in a significant decrease in structural stability (Huang J, Nature 2012 Feb; 482(7386):542-6). This variant was not reported in population based cohorts in the following databases: Database of Single Nucleotide Polymorphisms (dbSNP), NHLBI Exome Sequencing Project (ESP), and 1000 Genomes Project. In the ESP, this variant was not observed in 6498 samples (12996 alleles) with coverage at this position. To date, this alteration has been detected with an allele frequency of approximately 0.05% (greater than 1900 alleles tested) in our clinical cohort. Based on protein sequence alignment, this amino acid position is highly conserved in available vertebrate species. In addition, this alteration is predicted to be probably damaging and deleterious by PolyPhen and SIFT in silico analyses, respectively. Based on the majority of available evidence to date, this variant is likely to be pathogenic.

Literature cited by the submitters: PubMed 16449969; PubMed 16840830; PubMed 22327296.

NM_001370259.2(MEN1):c.1669A>G (p.Lys557Glu)

Gene: MEN1 (menin 1; minus strand). Cytogenetic location: 11q13.1.
Variant type: single nucleotide variant.
Coding change: c.1669A>G on transcript NM_001370259.2 (MANE Select); coding-DNA position 1669, A replaced by G.
Protein change: p.Lys557Glu; replaces lysine 557 with glutamic acid.
Molecular consequence: missense variant.
Genome position (GRCh38, 1-based): chr11:64,804,498, T>C on the plus strand (A>G on the coding strand, the complement: MEN1 is on the minus strand). VCF-style: chr11-64804498-T-C. GRCh37 (hg19) VCF-style: chr11-64571970-T-C.
Other names: c.1684A>G, p.Lys562Glu (NM_000244.4, NM_130800.3, NM_130801.3 and 3 more transcripts); c.1795A>G, p.Lys599Glu (NM_001370251.2); c.1669A>G, p.Lys557Glu (NM_001370260.2, NM_001370261.2, NM_130799.3); c.1564A>G, p.Lys522Glu (NM_001370262.2, NM_001370263.2); short protein forms K557E, K562E, K522E, K599E.
Identifiers: ClinVar variation 428059 (VCV000428059.6), dbSNP rs1114167517, ClinGen allele CA381177776.
Genomic context (GRCh38, chr11:64,804,498, plus strand): 5'-GCTTGATGGCGCTCGAGTTGATCTTGGTGGCCACCAGCAGCTCCTTCATGCCCTTCATCT[T>C]CTCACTCTGGAAAGTGAGCACTGGACCCTCCGGCGGTGGTGATGCTGTGGGTGCTGGCAC-3'
Protein context (NP_001357188.2, residues 547-567): EGPVLTFQSE[Lys557Glu]MKGMKELLVA